The following is an entry in ClinVar:

ClinVar aggregate classification (germline): Pathogenic (1 of 4 stars; one submission).

Conditions:
Retinitis pigmentosa 12 (RP12). Also called: RP WITH OR WITHOUT PPRPE; RP WITH OR WITHOUT PRESERVED PARAARTERIOLE RETINAL PIGMENT EPITHELIUM; RETINITIS PIGMENTOSA WITH OR WITHOUT PARAARTERIOLAR PRESERVATION OF RETINAL PIGMENT EPITHELIUM. Identifiers: Orphanet 791, MedGen C1838647, MONDO:0010818, OMIM 600105.
Leber congenital amaurosis 8 (LCA8). Identifiers: Orphanet 65, MedGen C3151202, MONDO:0013453, OMIM 613835.

Submission:

Labcorp Genetics (formerly Invitae), Labcorp
Classification: Pathogenic for Leber congenital amaurosis 8; Retinitis pigmentosa 12. Last evaluated: 2019-12-05. Review status: criteria provided, single submitter. Criteria: Invitae Variant Classification Sherloc (09022015). Collection method: clinical testing. Allele origin: germline.
Comment: For these reasons, this variant has been classified as Pathogenic. Loss-of-function variants in CRB1 are known to be pathogenic (PMID: 10508521, 22065545, 23379534, 25412400, 26957898, 28041643, 29391521). This variant has been observed in individual(s) with Leber congenital amaurosis (PMID: 29844330). This variant is not present in population databases (ExAC no frequency). This sequence change creates a premature translational stop signal (p.Cys445Tyrfs*8) in the CRB1 gene. It is expected to result in an absent or disrupted protein product.

Literature cited by the submitters: PubMed 10508521; PubMed 22065545; PubMed 23379534; PubMed 25412400; PubMed 26957898; PubMed 28041643; PubMed 29391521; PubMed 29844330.

NM_201253.3(CRB1):c.1334_1740del (p.Cys445fs)

Gene: CRB1 (crumbs cell polarity complex component 1; plus strand). Cytogenetic location: 1q31.3.
Variant type: Deletion.
Coding change: c.1334_1740del on transcript NM_201253.3 (MANE Select); coding-DNA positions 1334 to 1740, 407 bases deleted.
Protein change: p.Cys445fs; shifts the reading frame from cysteine 445.
Molecular consequence: frameshift variant. On other transcripts: non-coding transcript variant (1).
Genome position (GRCh38, 1-based): chr1:197,421,162-197,421,568, 407 bases deleted. GRCh37 (hg19): chr1:197,390,292-197,390,698.
Other names: c.998_1404del, p.Cys333fs (NM_001193640.2); c.1127_1533del, p.Cys376fs (NM_001257965.2); c.1334_1740del, p.Cys445fs (NM_001257966.2); short protein forms C333fs, C376fs, C445fs.
Identifiers: ClinVar variation 861706 (VCV000861706.9), dbSNP rs1664289410, ClinGen allele CA916082101.